The following is an entry in ClinVar:

ClinVar aggregate classification (germline): Pathogenic (1 of 4 stars; one submission).

Conditions:
Arrhythmogenic cardiomyopathy with wooly hair and keratoderma. Also called: PALMOPLANTAR KERATODERMA WITH LEFT VENTRICULAR CARDIOMYOPATHY AND WOOLLY HAIR; Carvajal syndrome; Dilated cardiomyopathy with woolly hair and keratoderma; Arrhythmogenic cardiomyopathy with woolly hair and keratoderma. Identifiers: Orphanet 65282, MedGen C1854063, MONDO:0011581, OMIM 605676.
Arrhythmogenic right ventricular dysplasia 8 (ARVD8). Also called: ARRHYTHMOGENIC RIGHT VENTRICULAR DYSPLASIA, FAMILIAL, 8; Arrhythmogenic Right Ventricular Dysplasia/Cardiomyopathy 8; ARRHYTHMOGENIC RIGHT VENTRICULAR CARDIOMYOPATHY 8. Identifiers: MedGen C1843896, MONDO:0011831, OMIM 607450.

Submission:

Labcorp Genetics (formerly Invitae), Labcorp
Classification: Pathogenic for Arrhythmogenic cardiomyopathy with wooly hair and keratoderma; Arrhythmogenic right ventricular dysplasia 8. Last evaluated: 2025-04-17. Review status: criteria provided, single submitter. Criteria: Invitae Variant Classification Sherloc (09022015). Collection method: clinical testing. Allele origin: germline.
Comment: This sequence change creates a premature translational stop signal (p.Val1821Alafs*16) in the DSP gene. While this is not anticipated to result in nonsense mediated decay, it is expected to disrupt the last 1051 amino acid(s) of the DSP protein. This variant is not present in population databases (gnomAD no frequency). This variant has not been reported in the literature in individuals affected with DSP-related conditions. ClinVar contains an entry for this variant (Variation ID: 1455872). This variant disrupts a region of the DSP protein in which other variant(s) (p.Glu2728Glyfs*11) have been determined to be pathogenic (internal data). This suggests that this is a clinically significant region of the protein, and that variants that disrupt it are likely to be disease-causing. For these reasons, this variant has been classified as Pathogenic.

NM_004415.4(DSP):c.5462del (p.Val1821fs)

Gene: DSP (desmoplakin; plus strand). Cytogenetic location: 6p24.3.
Variant type: Deletion.
Coding change: c.5462del on transcript NM_004415.4 (MANE Select); coding-DNA position 5462, one base deleted (T; older notation c.5462delT).
Protein change: p.Val1821fs; shifts the reading frame from valine 1821.
Molecular consequence: frameshift variant.
Genome position (GRCh38, 1-based): chr6:7,582,724, T deleted. VCF-style (leftmost placement, unchanged base first): chr6-7582723-GT-G. GRCh37 (hg19) VCF-style: chr6-7582956-GT-G.
Other names: c.3665del, p.Val1222fs (NM_001008844.3); c.4133del, p.Val1378fs (NM_001319034.2); short protein forms V1222fs, V1378fs, V1821fs.
Identifiers: ClinVar variation 1455872 (VCV001455872.6), dbSNP rs2113697914, ClinGen allele CA2573140813.